The following is an entry in ClinVar:

NM_153676.4(USH1C):c.308del (p.Arg103fs)

Gene: USH1C (USH1 protein network component harmonin; minus strand). Cytogenetic location: 11p15.1.
Variant type: Deletion.
Coding change: c.308del on transcript NM_153676.4 (MANE Select); coding-DNA position 308, one base deleted (G; older notation c.308delG).
Protein change: p.Arg103fs; shifts the reading frame from arginine 103.
Molecular consequence: frameshift variant. On other transcripts: non-coding transcript variant (1).
Genome position (GRCh38, 1-based): chr11:17,531,233, C deleted on the plus strand (G on the coding strand, the reverse complement: USH1C is on the minus strand). VCF-style (leftmost placement, unchanged base first): chr11-17531232-AC-A. GRCh37 (hg19) VCF-style: chr11-17552779-AC-A.
Other names: c.308del, p.Arg103fs (NM_001297764.2, NM_001440680.1, NM_001440681.1 and 5 more transcripts); c.341del, p.Arg114fs (NM_001440679.1, NM_001440684.1, NM_001440686.1); short protein forms R103fs, R114fs.
Identifiers: ClinVar variation 5014843 (VCV005014843.1).

ClinVar aggregate classification (germline): Pathogenic (1 of 4 stars; one submission).

Conditions:
Usher syndrome type 1C. Also called: USHER SYNDROME, TYPE I, ACADIAN VARIETY. Identifiers: Orphanet 231169, Orphanet 886, MedGen C1848604, MONDO:0010171, OMIM 276904.

Submission:

Myriad Genetics, Inc.
Classification: Pathogenic for Usher syndrome type 1C. Last evaluated: 2025-08-09. Review status: criteria provided, single submitter. Criteria: Myriad Autosomal Dominant, Autosomal Recessive and X-Linked Classification Criteria (2023). Collection method: clinical testing. Allele origin: unknown.
Comment: NM_005709.3(USH1C):c.308delG(R103Lfs*28) is expected to be pathogenic in the context of USH1C-related disorders. This variant is predicted to lead to an abnormal or absent protein product due to the creation of a premature termination codon in USH1C, a gene where loss-of-function variants are known to be pathogenic. Please note: this variant was assessed in the context of healthy population screening.